The following is an entry in ClinVar:

ClinVar aggregate classification (germline): Uncertain significance (1 of 4 stars; one submission).

Submission:

Labcorp Genetics (formerly Invitae), Labcorp
Classification: Uncertain significance. Last evaluated: 2025-08-09. Review status: criteria provided, single submitter. Criteria: Invitae Variant Classification Sherloc (09022015). Collection method: clinical testing. Allele origin: germline.
Comment: This sequence change creates a premature translational stop signal (p.Asp3777Alafs*20) in the HMCN1 gene. It is expected to result in an absent or disrupted protein product. However, the current clinical and genetic evidence is not sufficient to establish whether loss-of-function variants in HMCN1 cause disease. This variant is present in population databases (no rsID available, gnomAD 0.0009%). This variant has not been reported in the literature in individuals affected with HMCN1-related conditions. In summary, the available evidence is currently insufficient to determine the role of this variant in disease. Therefore, it has been classified as a Variant of Uncertain Significance.

NM_031935.3(HMCN1):c.11330del (p.Asp3777fs)

Gene: HMCN1 (hemicentin 1; plus strand). Cytogenetic location: 1q31.1.
Variant type: Deletion.
Coding change: c.11330del on transcript NM_031935.3 (MANE Select); coding-DNA position 11330, one base deleted (A; older notation c.11330delA).
Protein change: p.Asp3777fs; shifts the reading frame from aspartic acid 3777.
Molecular consequence: frameshift variant.
Genome position (GRCh38, 1-based): chr1:186,114,872, A deleted. VCF-style (leftmost placement, unchanged base first): chr1-186114871-GA-G. GRCh37 (hg19) VCF-style: chr1-186084003-GA-G.
Other names: short protein forms D3777fs.
Identifiers: ClinVar variation 4696639 (VCV004696639.1).